The following is an entry in ClinVar:

ClinVar aggregate classification (germline): Pathogenic/Likely pathogenic. Review status: criteria provided, multiple submitters, no conflicts (2 of 4 stars). 3 submissions from 3 submitters: Pathogenic (1); Likely pathogenic (2). Last evaluated 2024-05-15.

Conditions:
Myopathy caused by variation in POMGNT1. Identifiers: MedGen CN305639, MONDO:0700068.
POMGNT1-related disorder. Also called: POMGNT1-related condition; POMGNT1-related disorders. Identifiers: MedGen CN239299.
Muscular dystrophy-dystroglycanopathy (congenital with brain and eye anomalies), type A3. Also called: WALKER-WARBURG SYNDROME OR MUSCLE-EYE-BRAIN DISEASE, POMGNT1-RELATED; Congenital muscular dystrophy-dystroglycanopathy with brain and eye anomalies, type A3; Muscular dystrophy-dystroglycanopathy (congenital with brain and eye anomalies), type A, 3. Identifiers: MedGen C3151519, MONDO:0009667, OMIM 253280.
Retinitis pigmentosa 76 (RP76). Identifiers: MedGen C4310704, MONDO:0014929, OMIM 617123.
Autosomal recessive limb-girdle muscular dystrophy type 2O. Also called: MUSCULAR DYSTROPHY-DYSTROGLYCANOPATHY, LIMB-GIRDLE, POMGNT1-RELATED; Limb-Girdle Muscular Dystrophy Type 3C; MUSCULAR DYSTROPHY-DYSTROGLYCANOPATHY (LIMB-GIRDLE), TYPE C, 3. Identifiers: Orphanet 206564, MedGen C3150417, MONDO:0013161, OMIM 613157.
Muscular dystrophy-dystroglycanopathy (congenital with impaired intellectual development), type B, 3. Also called: MUSCULAR DYSTROPHY, CONGENITAL, POMGNT1-RELATED; Muscular dystrophy-dystroglycanopathy (congenital with intellectual disability), type B3. Identifiers: MedGen C3150412, MONDO:0013155, OMIM 613151.

Allele frequency attached by ClinVar (database versions not stated): gnomAD exomes below 0.00001.

Submissions (3):

Myriad Genetics, Inc.
Classification: Pathogenic for Myopathy caused by variation in POMGNT1. Last evaluated: 2024-05-15. Review status: criteria provided, single submitter. Criteria: Myriad Autosomal Dominant, Autosomal Recessive and X-Linked Classification Criteria (2023). Collection method: clinical testing. Allele origin: unknown.
Comment: NM_017739.3(POMGNT1):c.1566dupC(N523Qfs*20) is expected to be pathogenic in the context of POMGNT1-related disorders. This variant is predicted to lead to an abnormal or absent protein product due to the creation of a premature termination codon in POMGNT1, a gene where loss-of-function variants are known to be pathogenic. Please note: this variant was assessed in the context of healthy population screening.

Fulgent Genetics
Classification: Likely pathogenic for Muscular dystrophy-dystroglycanopathy (congenital with brain and eye anomalies), type A3; Muscular dystrophy-dystroglycanopathy (congenital with impaired intellectual development), type B, 3; Autosomal recessive limb-girdle muscular dystrophy type 2O; Retinitis pigmentosa 76. Last evaluated: 2024-04-08. Review status: criteria provided, single submitter. Criteria: ACMG Guidelines, 2015. Collection method: clinical testing. Allele origin: germline.

PreventionGenetics, part of Exact Sciences
Classification: Likely pathogenic for POMGNT1-related condition. Last evaluated: 2023-05-16. Review status: criteria provided, single submitter. Criteria: ACMG Guidelines, 2015. Collection method: clinical testing. Allele origin: germline.
Comment: The POMGNT1 c.1566dupC variant is predicted to result in a frameshift and premature protein termination (p.Asn523Glnfs*20). To our knowledge, this variant has not been reported in the literature or in a large population database, indicating this variant is rare. Frameshift variants in POMGNT1 are expected to be pathogenic. This variant is interpreted as likely pathogenic.

NM_017739.4(POMGNT1):c.1566dup (p.Asn523fs)

Genes: POMGNT1 (protein O-linked mannose N-acetylglucosaminyltransferase 1 (beta 1,2-); minus strand), TSPAN1 (tetraspanin 1; plus strand). Cytogenetic location: 1p34.1.
Variant type: Duplication.
Coding change: c.1566dup on transcript NM_017739.4 (MANE Select); coding-DNA position 1566, one base duplicated (C; older notation c.1566dupC).
Protein change: p.Asn523fs; shifts the reading frame from asparagine 523.
Molecular consequence: frameshift variant.
Genome position (GRCh38, 1-based): chr1:46,190,758, G duplicated on the plus strand (C on the coding strand, the reverse complement: POMGNT1 is on the minus strand). VCF-style (leftmost placement, unchanged base first): chr1-46190757-T-TG. GRCh37 (hg19) VCF-style: chr1-46656429-T-TG.
Other names: c.1500dup, p.Asn501Glnfs (NM_001290129.3); c.1137dup, p.Asn380fs (NM_001290130.2); c.1566dup, p.Asn523fs (NM_001410783.1, NM_001243766.2); short protein forms N380fs, N501fs, N523fs.
Identifiers: ClinVar variation 2632961 (VCV002632961.3), dbSNP rs2525360440, ClinGen allele CA2645439935.